The following is an entry in ClinVar:

ClinVar aggregate classification (germline): Pathogenic/Likely pathogenic. Review status: criteria provided, multiple submitters, no conflicts (2 of 4 stars). 6 submissions from 6 submitters: Pathogenic (2); Likely pathogenic (3). 1 of the submissions does not count toward it. Last evaluated 2026-09-08.

Conditions:
Fabry disease. Also called: Fabry's disease; ALPHA-GALACTOSIDASE A DEFICIENCY; ANDERSON-FABRY DISEASE; GLA DEFICIENCY; HEREDITARY DYSTOPIC LIPIDOSIS; CERAMIDE TRIHEXOSIDASE DEFICIENCY. Identifiers: Orphanet 324, MedGen C0002986, MONDO:0010526, OMIM 301500, HP:0001071. Disease mechanism: Fabry disease is due to inactivating mutations in the X-linked GLA gene resulting in deficiency of the enzyme Alpha Galactosidase-A., loss of function.
Cardiovascular phenotype. Identifiers: MedGen CN230736.

Allele frequency attached by ClinVar (database versions not stated): gnomAD exomes below 0.00001.
gnomAD v4.1: 1 of 1,208,033 alleles (0.000083%); highest among the groups gnomAD compares: Non-Finnish European, 0.00011%; no homozygotes.

Submissions (6):

Genomenon, Inc
Classification: Likely pathogenic for Fabry disease. Last evaluated: 2026-09-08. Review status: criteria provided, single submitter. Criteria: Genomenon Sequence Variant Interpretation Standards - Updated. Collection method: curation. Allele origin: germline. Affected: yes.
Comment: GLA p.Ile232Thr (c.695T>C) is a missense variant that changes the amino acid at codon 232 from Isoleucine to Threonine. This variant has been observed in at least one proband with clinical features consistent with Fabry disease (PMID:30594474;28615118;36383556;28736719;28798024;32442237). The variant was found to segregate with disease in at least one affected family (PMID:36383556;28798024). Functional or patient cell studies have been reported (PMID:32023956;28798024;25409744;30594474;28615118;27657681;22063097;23935525). It is absent or not present at a significant frequency in gnomAD. In conclusion, we classify GLA p.Ile232Thr (c.695T>C) as a likely pathogenic variant.

Women's Health and Genetics/Laboratory Corporation of America, LabCorp
Classification: Pathogenic for Fabry disease. Last evaluated: 2025-11-21. Review status: criteria provided, single submitter. Criteria: LabCorp Variant Classification Summary - May 2015. Collection method: clinical testing. Allele origin: germline.
Comment: Variant summary: GLA c.695T>C (p.Ile232Thr) results in a non-conservative amino acid change in the encoded protein sequence. Algorithms developed to predict the effect of missense changes on protein structure and function are either unavailable or do not agree on the potential impact of this missense change. The variant was absent in 183490 control chromosomes. c.695T>C has been observed in multiple individuals affected with Fabry Disease with co-segregation evidence (Adalsteinsdottir_2017). These data indicate that the variant is very likely to be associated with disease. At least one publication reports experimental evidence evaluating an impact on protein function. The most pronounced variant effect results in about 11% of normal activity (Lukas_2013). ClinVar contains an entry for this variant (Variation ID: 659973). The following publications have been ascertained in the context of this evaluation (PMID: 23935525, 28798024). Based on the evidence outlined above, the variant was classified as pathogenic.

Labcorp Genetics (formerly Invitae), Labcorp
Classification: Likely pathogenic for Fabry disease. Last evaluated: 2023-09-21. Review status: criteria provided, single submitter. Criteria: Invitae Variant Classification Sherloc (09022015). Collection method: clinical testing. Allele origin: germline.
Comment: In summary, the currently available evidence indicates that the variant is pathogenic, but additional data are needed to prove that conclusively. Therefore, this variant has been classified as Likely Pathogenic. Experimental studies have shown that this missense change affects GLA function (PMID: 23935525, 28615118, 28798024). Advanced modeling of protein sequence and biophysical properties (such as structural, functional, and spatial information, amino acid conservation, physicochemical variation, residue mobility, and thermodynamic stability) performed at Invitae indicates that this missense variant is not expected to disrupt GLA protein function. ClinVar contains an entry for this variant (Variation ID: 659973). This missense change has been observed in individual(s) with later-onset Fabry disease and hypertrophic cardiomyopathy (PMID: 22063097, 28798024). It has also been observed to segregate with disease in related individuals. This variant is not present in population databases (gnomAD no frequency). This sequence change replaces isoleucine, which is neutral and non-polar, with threonine, which is neutral and polar, at codon 232 of the GLA protein (p.Ile232Thr).

Revvity Omics, Revvity
Classification: Pathogenic. Last evaluated: 2023-08-01. Review status: criteria provided, single submitter. Criteria: ACMG Guidelines, 2015. Collection method: clinical testing. Allele origin: germline.

Ambry Genetics
Classification: Likely pathogenic for Cardiovascular phenotype. Last evaluated: 2020-02-25. Review status: criteria provided, single submitter. Criteria: Ambry Variant Classification Scheme 2023. Collection method: clinical testing. Allele origin: germline.
Comment: The p.I232T variant (also known as c.695T>C), located in coding exon 5 of the GLA gene, results from a T to C substitution at nucleotide position 695. The isoleucine at codon 232 is replaced by threonine, an amino acid with similar properties. This variant has been reported in hypertrophic cardiomypathy cohorts, Fabry disease (FD) newborn screening cohorts and additional Fabry disease cohorts. Several individuals were reported to have reduced alpha-galactosidase A enzyme activity; however, in several cases, detail was limited (Tai CL et al. Clin. Chim. Acta, 2012 Feb;413:422-7; Adalsteinsdottir B et al. Circulation, 2014 Sep;130:1158-67; Lee SH et al. Mol. Genet. Metab., 2014 Apr;111:507-12; Mauhin W et al. Orphanet J Rare Dis, 2018 07;13:127; Liao HC et al. Mol. Genet. Metab., 2018 02;123:140-147; Weidemann F et al. Mol. Genet. Metab., 2019 02;126:169-182). In one large Icelandic family, this variant segregated primarily with a later-onset, left ventricular hypertrophy phenotype in several males and females; however, other features of FD were also reported (Adalsteinsdottir B et al. Circ Cardiovasc Genet, 2017 Aug;10). In vitro studies have indicated this variant to result in reduced enzyme activity (Lukas J et al. PLoS Genet., 2013 Aug;9:e1003632; Adalsteinsdottir B et al. Circ Cardiovasc Genet, 2017 Aug;10; Liao HC et al. Mol. Genet. Metab., 2018 02;123:140-147). This amino acid position is not well conserved in available vertebrate species. In addition, this alteration is predicted to be deleterious by in silico analysis. Based on the majority of available evidence to date, this variant is likely to be pathogenic.

deCODE genetics, Amgen
Classification: Likely pathogenic for Fabry disease. Last evaluated: 2023-07-21. Review status: no assertion criteria provided. Collection method: research. Allele origin: germline. Affected: yes. Observed: 4 variant alleles. Not counted in ClinVar's aggregate classification.
Comment: The variant NM_000169.3:c.695T>C (chrX:101398891) in GLA was detected in 3 heterozygous females and 3 hemizygous males out of 58K WGS Icelanders (MAF= 0,008%). Following imputation in a set of 166K Icelanders (4 imputed heterozygotes, 3 imputed hemizygotes) we observed an association with both hypertrophic cardiomyopathy (using 640 cases and 355022 controls (OR= 47.21, P= 1.42e-06)) and cardiomyopathies (using 1974 cases and 365360 controls (OR= 19.84, P= 3.08e-05)), under an additive model. This variant has been reported in ClinVar previously as likely pathogenic. Based on ACMG criteria (PS4, PM2, PP5) this variant classifies as likely pathogenic.

Literature cited by the submitters: PubMed 30594474 (cited by Genomenon, Inc and Ambry Genetics); PubMed 28615118 (cited by 3 submitters); PubMed 36383556 (cited by Genomenon, Inc); PubMed 28736719 (cited by Genomenon, Inc); PubMed 28798024 (cited by 4 submitters); PubMed 32442237 (cited by Genomenon, Inc); PubMed 32023956 (cited by Genomenon, Inc); PubMed 25409744 (cited by Genomenon, Inc and Ambry Genetics); PubMed 27657681 (cited by Genomenon, Inc); PubMed 22063097 (cited by 3 submitters); PubMed 23935525 (cited by 4 submitters); PubMed 24613481 (cited by Ambry Genetics); PubMed 25078086 (cited by Ambry Genetics); PubMed 25382311 (cited by Ambry Genetics); PubMed 30064518 (cited by Ambry Genetics).

NM_000169.3(GLA):c.695T>C (p.Ile232Thr)

Genes: GLA (galactosidase alpha; minus strand), RPL36A-HNRNPH2 (RPL36A-HNRNPH2 readthrough; plus strand). Cytogenetic location: Xq22.1.
Variant type: single nucleotide variant.
Coding change: c.695T>C on transcript NM_000169.3 (MANE Select); coding-DNA position 695, T replaced by C.
Protein change: p.Ile232Thr; replaces isoleucine 232 with threonine.
Molecular consequence: missense variant. On other transcripts: non-coding transcript variant (3), intron variant (2).
Genome position (GRCh38, 1-based): chrX:101,398,891, A>G on the plus strand (T>C on the coding strand, the complement: GLA is on the minus strand). VCF-style: chrX-101398891-A-G. GRCh37 (hg19) VCF-style: chrX-100653879-A-G.
Other names: c.818T>C, p.Ile273Thr (NM_001406747.1); c.695T>C, p.Ile232Thr (NM_001406748.1); c.300+3434A>G (NM_001199973.2); c.177+7069A>G (NM_001199974.2); short protein forms I232T, I273T.
Identifiers: ClinVar variation 659973 (VCV000659973.31), dbSNP rs797044749, ClinGen allele CA413924759.